The following is an entry in ClinVar:

ClinVar aggregate classification (germline): Conflicting classifications of pathogenicity. Review status: criteria provided, conflicting classifications (1 of 4 stars). 8 submissions from 8 submitters: Uncertain significance (6); Likely benign (2). Last evaluated 2025-11-20.

Conditions:
Hereditary cancer-predisposing syndrome. Also called: Hereditary neoplastic syndrome; Tumor predisposition; Neoplastic Syndromes, Hereditary; Hereditary Cancer Syndrome. Identifiers: Orphanet 140162, MedGen C0027672, MeSH D009386, MONDO:0015356.
Hereditary breast ovarian cancer syndrome. Also called: Hereditary breast and ovarian cancer syndrome (HBOC); Hereditary breast and/or ovarian cancer syndrome; Hereditary breast and ovarian cancer; BRCA1- and BRCA2-Associated Hereditary Breast and Ovarian Cancer; Hereditary breast and ovarian cancer syndrome; Breast and ovarian cancer. Identifiers: Orphanet 145, MedGen C0677776, MeSH D061325, MONDO:0003582. Disease mechanism: loss of function.
Breast-ovarian cancer, familial, susceptibility to, 1 (BROVCA1). Also called: BRCA1 Hereditary Breast and Ovarian Cancer; OVARIAN CANCER, SUSCEPTIBILITY TO. Identifiers: Orphanet 145, MedGen C2676676, MONDO:0011450, OMIM 604370. Disease mechanism: loss of function.

Allele frequency attached by ClinVar (database versions not stated): gnomAD exomes below 0.00001; TOPMed below 0.00001.
gnomAD v4.1: 1 of 1,613,772 alleles (0.000062%); highest among the groups gnomAD compares: Non-Finnish European, 0.000085%; no homozygotes.

Submissions (8):

Women's Health and Genetics/Laboratory Corporation of America, LabCorp
Classification: Uncertain significance. Last evaluated: 2025-11-20. Review status: criteria provided, single submitter. Criteria: LabCorp Variant Classification Summary - May 2015. Collection method: clinical testing. Allele origin: germline.
Comment: Variant summary: BRCA1 c.2608G>C (p.Ala870Pro) results in a non-conservative amino acid change in the encoded protein sequence. Algorithms developed to predict the effect of missense changes on protein structure and function are either unavailable or do not agree on the potential impact of this missense change. The variant was absent in 251122 control chromosomes. The available data on variant occurrences in the general population are insufficient to allow any conclusion about variant significance. c.2608G>C has been observed in at least one individual affected with contralateral breast cancer (Borg_2010, Capanu_2011) and in an individual who met criteria for BRCA1/2 testing based on a personal and/or family history of cancer (Herzog_2021). These reports do not provide unequivocal conclusions about association of the variant with Hereditary Breast And Ovarian Cancer Syndrome. To our knowledge, no experimental evidence demonstrating an impact on protein function has been reported. The following publications have been ascertained in the context of this evaluation (PMID: 20104584, 21520273, 34413315). ClinVar contains an entry for this variant (Variation ID: 937580). Based on the evidence outlined above, the variant was classified as uncertain significance.

Labcorp Genetics (formerly Invitae), Labcorp
Classification: Uncertain significance for Hereditary breast ovarian cancer syndrome. Last evaluated: 2025-11-12. Review status: criteria provided, single submitter. Criteria: Invitae Variant Classification Sherloc (09022015). Collection method: clinical testing. Allele origin: germline.
Comment: This sequence change replaces alanine, which is neutral and non-polar, with proline, which is neutral and non-polar, at codon 870 of the BRCA1 protein (p.Ala870Pro). This variant is not present in population databases (gnomAD no frequency). This missense change has been observed in individual(s) with breast cancer (PMID: 20104584, 21520273). ClinVar contains an entry for this variant (Variation ID: 937580). Invitae Evidence Modeling of protein sequence and biophysical properties (such as structural, functional, and spatial information, amino acid conservation, physicochemical variation, residue mobility, and thermodynamic stability) indicates that this missense variant is expected to disrupt BRCA1 protein function with a positive predictive value of 80%. In summary, the available evidence is currently insufficient to determine the role of this variant in disease. Therefore, it has been classified as a Variant of Uncertain Significance.

Ambry Genetics
Classification: Uncertain significance for Hereditary cancer-predisposing syndrome. Last evaluated: 2024-11-03. Review status: criteria provided, single submitter. Criteria: Ambry Variant Classification Scheme 2023. Collection method: clinical testing. Allele origin: germline.
Comment: The p.A870P variant (also known as c.2608G>C), located in coding exon 9 of the BRCA1 gene, results from a G to C substitution at nucleotide position 2608. The alanine at codon 870 is replaced by proline, an amino acid with highly similar properties. In one study, this alteration was detected in 1/705 patients with contralateral breast cancer and in none of the 1398 patients tested with unilateral breast cancer (Borg A et al. Hum. Mutat., 2010 Mar;31:E1200-40). This amino acid position is well conserved in available vertebrate species. In addition, this alteration is predicted to be deleterious by in silico analysis. Since supporting evidence is limited at this time, the clinical significance of this alteration remains unclear.

GeneDx
Classification: Uncertain significance. Last evaluated: 2024-04-03. Review status: criteria provided, single submitter. Criteria: GeneDx Variant Classification Process June 2021. Collection method: clinical testing. Allele origin: germline. Affected: yes.
Comment: Identified in individual(s) with breast cancer (PMID: 20104584, 21520273); Not observed at significant frequency in large population cohorts (gnomAD); In silico analysis supports that this missense variant has a deleterious effect on protein structure/function; Also known as 2727G>C; This variant is associated with the following publications: (PMID: 32377563, 29884841, 20104584, 21520273, 15343273)

All of Us Research Program, National Institutes of Health
Classification: Uncertain significance for Breast-ovarian cancer, familial, susceptibility to, 1. Last evaluated: 2023-07-19. Review status: criteria provided, single submitter. Criteria: ACMG Guidelines, 2015. Collection method: clinical testing. Allele origin: germline. Inheritance: Autosomal dominant inheritance. Observed: 1 variant allele, 1 heterozygote.
Comment: This missense variant replaces alanine with proline at codon 870 of the BRCA1 protein. Computational prediction suggests that this variant may have deleterious impact on protein structure and function (internally defined REVEL score threshold >= 0.7, PMID: 27666373). To our knowledge, functional studies have not been reported for this variant. This variant has been reported in an individual affected with contralateral breast cancer (PMID: 20104584). This variant has not been identified in the general population by the Genome Aggregation Database (gnomAD). The available evidence is insufficient to determine the role of this variant in disease conclusively. Therefore, this variant is classified as a Variant of Uncertain Significance.

This study involves interpretation of variants in research participants for the purpose of population health screening. Participant phenotype was not available at the time of variant classification. Additional details can be found in publication PMID: 35346344, PMCID: PMC8962531

Myriad Genetics, Inc.
Classification: Likely benign for Breast-ovarian cancer, familial, susceptibility to, 1. Last evaluated: 2023-06-09. Review status: criteria provided, single submitter. Criteria: Myriad Autosomal Dominant, Autosomal Recessive and X-Linked Classification Criteria (2023). Collection method: clinical testing. Allele origin: unknown.
Comment: This variant is considered likely benign. This variant is strongly associated with less severe personal and family histories of cancer, typical for individuals without pathogenic variants in this gene [PMID: 25085752].

University of Washington Department of Laboratory Medicine, University of Washington
Classification: Likely benign for Hereditary cancer-predisposing syndrome. Last evaluated: 2023-03-23. Review status: criteria provided, single submitter. Criteria: Dines et al. (Genet Med. 2020). Collection method: curation. Allele origin: germline.
Comment: Missense variant in a coldspot region where missense variants are very unlikely to be pathogenic (PMID:31911673).

BRCA1 coldspot (exon 11 using historical exon numbering). Reclassification based on statistical prior probability

Revvity Omics, Revvity
Classification: Uncertain significance. Last evaluated: 2021-08-09. Review status: criteria provided, single submitter. Criteria: ACMG Guidelines, 2015. Collection method: clinical testing. Allele origin: germline.

Literature cited by the submitters: PubMed 20104584 (cited by 4 submitters); PubMed 21520273 (cited by Women's Health and Genetics/Laboratory Corporation of America, LabCorp and Labcorp Genetics (formerly Invitae), Labcorp); PubMed 34413315 (cited by Women's Health and Genetics/Laboratory Corporation of America, LabCorp); PubMed 25085752 (cited by Myriad Genetics, Inc.).

NM_007294.4(BRCA1):c.2608G>C (p.Ala870Pro)

Gene: BRCA1 (BRCA1 DNA repair associated; minus strand). Cytogenetic location: 17q21.31.
Variant type: single nucleotide variant.
Coding change: c.2608G>C on transcript NM_007294.4 (MANE Select); coding-DNA position 2608, G replaced by C.
Protein change: p.Ala870Pro; replaces alanine 870 with proline.
Molecular consequence: missense variant. On other transcripts: intron variant (137).
Genome position (GRCh38, 1-based): chr17:43,092,923, C>G on the plus strand (G>C on the coding strand, the complement: BRCA1 is on the minus strand). VCF-style: chr17-43092923-C-G. GRCh37 (hg19) VCF-style: chr17-41244940-C-G.
Other names: c.788-784G>C (NM_001407968.1, NM_001407969.1); c.577+1821G>C (NM_001408492.1, NM_001408513.1, NM_001408489.1 and 9 more transcripts); c.643+1821G>C (NM_001408468.1, NM_001408465.1, NM_001408463.1 and 3 more transcripts); c.523+1821G>C (NM_001408501.1, NM_001408500.1, NM_001408497.1 and 3 more transcripts); c.646+1821G>C (NM_001408455.1, NM_001408466.1, NM_001408452.1 and 11 more transcripts); c.520+1821G>C (NM_001408503.1, NM_001408505.1, NM_001408504.1); c.787+1821G>C (NM_001407973.1, NM_001408403.1, NM_001407983.1 and 17 more transcripts); c.404-1891G>C (NM_001408511.1); and 41 more; short protein forms A823P, A870P, A759P, A782P, A802P, A803P, A574P, A702P.
Identifiers: ClinVar variation 937580 (VCV000937580.23), dbSNP rs753256448, ClinGen allele CA10596779.